The following is an entry in ClinVar:

NM_001110556.2(FLNA):c.7205_7208dup (p.Asp2403_Val2404insTer)

Gene: FLNA (filamin A; minus strand). Cytogenetic location: Xq28.
Variant type: Duplication.
Coding change: c.7205_7208dup on transcript NM_001110556.2 (MANE Select); coding-DNA positions 7205 to 7208, 4 bases duplicated (TTGA; older notation c.7205_7208dupTTGA).
Protein change: p.Asp2403_Val2404insTer.
Molecular consequence: nonsense, inframe insertion.
Genome position (GRCh38, 1-based): chrX:154,350,156-154,350,159, TCAA duplicated on the plus strand (TTGA on the coding strand, the reverse complement: FLNA is on the minus strand); duplicating any 4 consecutive bases within chrX:154,350,156-154,350,162 gives the same sequence; the c. name uses the placement nearest the transcript's 3' end. VCF-style (leftmost placement, unchanged base first): chrX-154350155-G-GTCAA. GRCh37 (hg19) VCF-style: chrX-153578523-G-GTCAA.
Other names: c.7181_7184dup, p.Asp2395_Val2396insTer (NM_001456.4).
Identifiers: ClinVar variation 1757544 (VCV001757544.2), dbSNP rs2522715027, ClinGen allele CA2580101878.
Genomic context (GRCh38, chrX:154,350,155, plus strand): 5'-AGGCTCCCCAACTCGGATCTTGAAGGGGCTTCCAGGGATGTGGGTGCCGTTGAACTTGAC[G>GTCAA]TCAATCAGGTAAACGCCATTCTCCCGAGGGATGAAGCGCACAGCATACTTATCTGAGGAG-3'

ClinVar aggregate classification (germline): Pathogenic (1 of 4 stars; one submission).

Conditions:
Familial thoracic aortic aneurysm and aortic dissection (TAAD). Also called: Thoracic aortic aneurysms and dissections. Identifiers: Orphanet 91387, MedGen C4707243, MONDO:0019625.

Submission:

Ambry Genetics
Classification: Pathogenic for Familial thoracic aortic aneurysm and aortic dissection. Last evaluated: 2021-06-29. Review status: criteria provided, single submitter. Criteria: Ambry Variant Classification Scheme 2023. Collection method: clinical testing. Allele origin: germline.
Comment: The c.7181_7184dupTTGA pathogenic mutation, located in coding exon 43 of the FLNA gene, results from a duplication of TTGA at nucleotide position 7181, causing a translational frameshift with a predicted alternate stop codon (p.V2396*). This alteration is expected to result in loss of function by premature protein truncation or nonsense-mediated mRNA decay. Although loss of function alterations in FLNA have been associated with periventricular nodular heterotopia (PVNH), haploinsufficiency for FLNA has not been clearly established as a mechanism of disease for otopalatodigital syndrome types 1 and 2 (OPD1 and OPD2). Based on the supporting evidence, this variant is expected to be causative of periventricular nodular heterotopia (PVNH); however, its clinical significance for otopalatodigital syndrome types 1 and 2 (OPD1 and OPD2) is unclear.